The following is an entry in ClinVar:

ClinVar aggregate classification (germline): Uncertain significance (1 of 4 stars; one submission).

Conditions:
Meckel-Gruber syndrome. Also called: DYSENCEPHALIA SPLANCHNOCYSTICA; GRUBER SYNDROME; Dysencephalia splachnocystica. Identifiers: Orphanet 564, MedGen C0265215, MONDO:0018921.
Joubert syndrome. Also called: CEREBELLOPARENCHYMAL DISORDER IV; JOUBERT-BOLTSHAUSER SYNDROME; Familial aplasia of the vermis. Identifiers: Orphanet 475, MedGen C5979921, MONDO:0018772.

Allele frequency attached by ClinVar (database versions not stated): gnomAD exomes below 0.00001; TOPMed below 0.00001.
gnomAD v4.1: 1 of 1,613,716 alleles (0.000062%); highest among the groups gnomAD compares: Non-Finnish European, 0.000085%; no homozygotes.

Submission:

Labcorp Genetics (formerly Invitae), Labcorp
Classification: Uncertain significance for Joubert syndrome; Meckel-Gruber syndrome. Last evaluated: 2025-03-31. Review status: criteria provided, single submitter. Criteria: Invitae Variant Classification Sherloc (09022015). Collection method: clinical testing. Allele origin: germline.
Comment: This sequence change replaces leucine, which is neutral and non-polar, with serine, which is neutral and polar, at codon 187 of the TCTN1 protein (p.Leu187Ser). This variant is not present in population databases (gnomAD no frequency). This variant has not been reported in the literature in individuals affected with TCTN1-related conditions. ClinVar contains an entry for this variant (Variation ID: 1521726). Invitae Evidence Modeling of protein sequence and biophysical properties (such as structural, functional, and spatial information, amino acid conservation, physicochemical variation, residue mobility, and thermodynamic stability) indicates that this missense variant is not expected to disrupt TCTN1 protein function with a negative predictive value of 80%. In summary, the available evidence is currently insufficient to determine the role of this variant in disease. Therefore, it has been classified as a Variant of Uncertain Significance.

NM_001082538.3(TCTN1):c.560T>C (p.Leu187Ser)

Gene: TCTN1 (tectonic family member 1; plus strand). Cytogenetic location: 12q24.11.
Variant type: single nucleotide variant.
Coding change: c.560T>C on transcript NM_001082538.3 (MANE Select); coding-DNA position 560, T replaced by C.
Protein change: p.Leu187Ser; replaces leucine 187 with serine.
Molecular consequence: missense variant. On other transcripts: non-coding transcript variant (1).
Genome position (GRCh38, 1-based): chr12:110,628,854, T>C. VCF-style: chr12-110628854-T-C. GRCh37 (hg19) VCF-style: chr12-111066659-T-C.
Other names: c.560T>C, p.Leu187Ser (NM_001082537.3, NM_001319680.2, NM_024549.6); c.392T>C, p.Leu131Ser (NM_001173975.3, NM_001319682.3); c.380T>C, p.Leu127Ser (NM_001173976.2); c.26T>C, p.Leu9Ser (NM_001319681.2); short protein forms L187S, L127S, L131S, L9S.
Identifiers: ClinVar variation 1521726 (VCV001521726.8), dbSNP rs2066031755, ClinGen allele CA386702474.